The following is an entry in ClinVar:

NM_001127222.2(CACNA1A):c.6364A>C (p.Lys2122Gln)

Gene: CACNA1A (calcium voltage-gated channel subunit alpha1 A; minus strand). Cytogenetic location: 19p13.13.
Variant type: single nucleotide variant.
Coding change: c.6364A>C on transcript NM_001127222.2 (MANE Select); coding-DNA position 6364, A replaced by C.
Protein change: p.Lys2122Gln; replaces lysine 2122 with glutamine.
Molecular consequence: missense variant.
Genome position (GRCh38, 1-based): chr19:13,209,474, T>G on the plus strand (A>C on the coding strand, the complement: CACNA1A is on the minus strand). VCF-style: chr19-13209474-T-G. GRCh37 (hg19) VCF-style: chr19-13320288-T-G.
Other names: c.6382A>C, p.Lys2128Gln (NM_000068.4, NM_023035.3); c.6367A>C, p.Lys2123Gln (NM_001127221.2); c.6373A>C, p.Lys2125Gln (NM_001174080.2); short protein forms K2122Q, K2123Q, K2125Q, K2128Q.
Identifiers: ClinVar variation 3602821 (VCV003602821.1).

ClinVar aggregate classification (germline): Uncertain significance (1 of 4 stars; one submission).

Submission:

GeneDx
Classification: Uncertain significance. Last evaluated: 2024-08-08. Review status: criteria provided, single submitter. Criteria: GeneDx Variant Classification Process June 2021. Collection method: clinical testing. Allele origin: germline. Affected: yes.
Comment: Not observed at significant frequency in large population cohorts (gnomAD); In silico analysis supports that this missense variant has a deleterious effect on protein structure/function; Has not been previously published as pathogenic or benign to our knowledge